The following is an entry in ClinVar:

NM_199420.4(POLQ):c.6421T>G (p.Leu2141Val)

Gene: POLQ (DNA polymerase theta; minus strand). Cytogenetic location: 3q13.33.
Variant type: single nucleotide variant.
Coding change: c.6421T>G on transcript NM_199420.4 (MANE Select); coding-DNA position 6421, T replaced by G.
Protein change: p.Leu2141Val; replaces leucine 2141 with valine.
Molecular consequence: missense variant.
Genome position (GRCh38, 1-based): chr3:121,473,472, A>C on the plus strand (T>G on the coding strand, the complement: POLQ is on the minus strand). VCF-style: chr3-121473472-A-C. GRCh37 (hg19) VCF-style: chr3-121192319-A-C.
Other names: short protein forms L2141V.
Identifiers: ClinVar variation 1753440 (VCV001753440.3), dbSNP rs778729964, ClinGen allele CA2562467.

ClinVar aggregate classification (germline): Uncertain significance (1 of 4 stars; one submission).

Allele frequency attached by ClinVar (database versions not stated): gnomAD 0.00001; TOPMed 0.00001.
gnomAD v4.1: 17 of 1,612,308 alleles (0.0011%); highest among the groups gnomAD compares: Non-Finnish European, 0.0011%; no homozygotes.

Submission:

Ambry Genetics
Classification: Uncertain significance. Last evaluated: 2024-08-17. Review status: criteria provided, single submitter. Criteria: Ambry Variant Classification Scheme 2023. Collection method: clinical testing. Allele origin: germline.
Comment: The p.L2141V variant (also known as c.6421T>G), located in coding exon 21 of the POLQ gene, results from a T to G substitution at nucleotide position 6421. The leucine at codon 2141 is replaced by valine, an amino acid with highly similar properties. This amino acid position is conserved. In addition, this alteration is predicted to be tolerated by in silico analysis. Since supporting evidence is limited at this time, the clinical significance of this alteration remains unclear.